The following is an entry in ClinVar:

ClinVar aggregate classification (germline): Uncertain significance (1 of 4 stars; one submission).

gnomAD v4.1: 3 of 1,613,934 alleles (0.00019%); highest among the groups gnomAD compares: Non-Finnish European, 0.00025%; no homozygotes.

Submission:

Labcorp Genetics (formerly Invitae), Labcorp
Classification: Uncertain significance. Last evaluated: 2025-06-17. Review status: criteria provided, single submitter. Criteria: Invitae Variant Classification Sherloc (09022015). Collection method: clinical testing. Allele origin: germline.
Comment: This sequence change replaces valine, which is neutral and non-polar, with phenylalanine, which is neutral and non-polar, at codon 829 of the FN1 protein (p.Val829Phe). This variant is present in population databases (rs749276956, gnomAD 0.0009%). This variant has not been reported in the literature in individuals affected with FN1-related conditions. An algorithm developed to predict the effect of missense changes on protein structure and function (PolyPhen-2) suggests that this variant is likely to be disruptive. In summary, the available evidence is currently insufficient to determine the role of this variant in disease. Therefore, it has been classified as a Variant of Uncertain Significance.

NM_212482.4(FN1):c.2485G>T (p.Val829Phe)

Gene: FN1 (fibronectin 1; minus strand). Cytogenetic location: 2q35.
Variant type: single nucleotide variant.
Coding change: c.2485G>T on transcript NM_212482.4 (MANE Select); coding-DNA position 2485, G replaced by T.
Protein change: p.Val829Phe; replaces valine 829 with phenylalanine.
Molecular consequence: missense variant.
Genome position (GRCh38, 1-based): chr2:215,408,141, C>A on the plus strand (G>T on the coding strand, the complement: FN1 is on the minus strand). VCF-style: chr2-215408141-C-A. GRCh37 (hg19) VCF-style: chr2-216272864-C-A.
Other names: c.2485G>T, p.Val829Phe (NM_001365520.2, NM_001365521.2, NM_001365522.2 and 13 more transcripts); short protein forms V829F.
Identifiers: ClinVar variation 4762152 (VCV004762152.1).
Genomic context (GRCh38, chr2:215,408,141, plus strand): 5'-AGCCAAAGAGGGGGACGCTTAGCTGACCTGTGATGGGAGCCTGGGGTCTGCTCCAGCGAA[C>A]AACAATTGAGGTGTCATCAACTTGGTCCACAGTCGTGTCAGGAGGGGCATCAGGCGCTAA-3'
Protein context (NP_997647.2, residues 819-839): VDQVDDTSIV[Val829Phe]RWSRPQAPIT